The following is an entry in ClinVar:

NM_173628.4(DNAH17):c.6081G>A (p.Val2027=)

Genes: DNAH17 (dynein axonemal heavy chain 17; minus strand), DNAH17-AS1 (DNAH17 antisense RNA 1; plus strand). Cytogenetic location: 17q25.3.
Variant type: single nucleotide variant.
Coding change: c.6081G>A on transcript NM_173628.4 (MANE Select); coding-DNA position 6081, G replaced by A.
Protein change: p.Val2027=; no amino-acid change (valine 2027 retained).
Molecular consequence: synonymous variant.
Genome position (GRCh38, 1-based): chr17:78,494,782, C>T on the plus strand (G>A on the coding strand, the complement: DNAH17 is on the minus strand). VCF-style: chr17-78494782-C-T. GRCh37 (hg19) VCF-style: chr17-76490864-C-T.
Identifiers: ClinVar variation 3035385 (VCV003035385.3), dbSNP rs368928444, ClinGen allele CA8802915.

ClinVar aggregate classification (germline): Likely benign. Review status: criteria provided, single submitter (1 of 4 stars). 2 submissions from 2 submitters: Likely benign (1). 1 of the submissions does not count toward it. Last evaluated 2023-06-21.

Conditions:
DNAH17-related disorder. Also called: DNAH17-related condition.

Allele frequency attached by ClinVar (database versions not stated): gnomAD exomes 0.00024; ExAC 0.00092; 1000 Genomes Project 0.00160; 1000 Genomes Project 30x 0.00203; ESP Exome Variant Server 0.00209; gnomAD 0.00248; TOPMed 0.00282.
gnomAD v4.1: 742 of 1,612,930 alleles (0.046%); highest among the groups gnomAD compares: African/African-American, 0.88%; 5 homozygotes.

Submissions (2):

Blueprint Genetics
Classification: Likely benign. Last evaluated: 2023-06-21. Review status: criteria provided, single submitter. Criteria: ACMG Guidelines, 2015. Collection method: clinical testing. Allele origin: germline.

PreventionGenetics, part of Exact Sciences
Classification: Benign for DNAH17-related condition. Last evaluated: 2019-08-09. Review status: no assertion criteria provided. Collection method: clinical testing. Allele origin: germline. Not counted in ClinVar's aggregate classification.
Comment: This variant is classified as benign based on ACMG/AMP sequence variant interpretation guidelines (Richards et al. 2015 PMID: 25741868, with internal and published modifications).